The following is an entry in ClinVar:

ClinVar aggregate classification (germline): Uncertain significance (1 of 4 stars; one submission).

Conditions:
Cardiac arrhythmia. Also called: Arrhythmia; Cardiac rhythm disease. Identifiers: MedGen C0003811, MONDO:0007263, HP:0011675.

Submission:

Color Diagnostics, LLC DBA Color Health
Classification: Uncertain significance for Cardiac arrhythmia. Last evaluated: 2025-06-03. Review status: criteria provided, single submitter. Criteria: ACMG Guidelines, 2015. Collection method: clinical testing. Allele origin: germline.
Comment: This missense variant replaces valine with alanine at codon 341 of the KCNH2 protein. Computational prediction is inconclusive regarding the impact of this variant on protein structure and function. To our knowledge, functional studies have not been reported for this variant. This variant has not been reported in individuals affected with KCNH2-related disorders in the literature. This variant has not been identified in the general population by the Genome Aggregation Database (gnomAD). The available evidence is insufficient to determine the role of this variant in disease conclusively. Therefore, this variant is classified as a Variant of Uncertain Significance.

NM_000238.4(KCNH2):c.1022T>C (p.Val341Ala)

Gene: KCNH2 (potassium voltage-gated channel subfamily H member 2; minus strand). Cytogenetic location: 7q36.1.
Variant type: single nucleotide variant.
Coding change: c.1022T>C on transcript NM_000238.4 (MANE Select); coding-DNA position 1022, T replaced by C.
Protein change: p.Val341Ala; replaces valine 341 with alanine.
Molecular consequence: missense variant. On other transcripts: non-coding transcript variant (1).
Genome position (GRCh38, 1-based): chr7:150,957,397, A>G on the plus strand (T>C on the coding strand, the complement: KCNH2 is on the minus strand). VCF-style: chr7-150957397-A-G. GRCh37 (hg19) VCF-style: chr7-150654485-A-G.
Other names: c.734T>C, p.Val245Ala (NM_001406753.1, NM_001406756.1); c.845T>C, p.Val282Ala (NM_001406755.1); c.722T>C, p.Val241Ala (NM_001406757.1); c.1022T>C, p.Val341Ala (NM_172056.3); short protein forms V241A, V245A, V282A, V341A.
Identifiers: ClinVar variation 4756738 (VCV004756738.1).